The following is an entry in ClinVar:

ClinVar aggregate classification (germline): Uncertain significance. Review status: criteria provided, multiple submitters, no conflicts (2 of 4 stars). 3 submissions from 3 submitters: Uncertain significance (3). Last evaluated 2023-01-09.

Conditions:
Polycystic kidney disease 4 (PKD4). Also called: Autosomal Recessive Polycystic Kidney Disease – PKHD1; POLYCYSTIC KIDNEY DISEASE 4 WITH OR WITHOUT POLYCYSTIC LIVER DISEASE; POLYCYSTIC KIDNEY AND HEPATIC DISEASE 1; POLYCYSTIC KIDNEY DISEASE, INFANTILE, TYPE I; PKD3. Identifiers: MedGen C4540575, MONDO:0033004, OMIM 263200.
Autosomal recessive polycystic kidney disease (ARPKD). Also called: AR polycystic kidney disease. Identifiers: Orphanet 731, Orphanet 8378, MedGen C0085548, MeSH D017044, MONDO:0009889.

Allele frequency attached by ClinVar (database versions not stated): ExAC 0.00001; gnomAD 0.00001; gnomAD exomes 0.00004; TOPMed 0.00004.
gnomAD v4.1: 130 of 1,610,964 alleles (0.0081%); highest among the groups gnomAD compares: Non-Finnish European, 0.011%; no homozygotes.

Submissions (3):

Revvity Omics, Revvity
Classification: Uncertain significance for Polycystic kidney disease 4. Last evaluated: 2023-01-09. Review status: criteria provided, single submitter. Criteria: ACMG Guidelines, 2015. Collection method: clinical testing. Allele origin: germline.

Labcorp Genetics (formerly Invitae), Labcorp
Classification: Uncertain significance for Autosomal recessive polycystic kidney disease. Last evaluated: 2021-10-14. Review status: criteria provided, single submitter. Criteria: Invitae Variant Classification Sherloc (09022015). Collection method: clinical testing. Allele origin: germline.
Comment: This sequence change falls in intron 66 of the PKHD1 gene. It does not directly change the encoded amino acid sequence of the PKHD1 protein. It affects a nucleotide within the consensus splice site. This variant is present in population databases (rs746467881, ExAC 0.002%). This variant has not been reported in the literature in individuals affected with PKHD1-related conditions. Variants that disrupt the consensus splice site are a relatively common cause of aberrant splicing (PMID: 17576681, 9536098). Algorithms developed to predict the effect of sequence changes on RNA splicing suggest that this variant may disrupt the consensus splice site. In summary, the available evidence is currently insufficient to determine the role of this variant in disease. Therefore, it has been classified as a Variant of Uncertain Significance.

Eurofins Ntd Llc (ga)
Classification: Uncertain significance. Last evaluated: 2018-03-02. Review status: criteria provided, single submitter. Criteria: EGL ClinVar v180209 classification definitions. Collection method: clinical testing. Allele origin: germline. Observed: 2 variant alleles, 2 heterozygotes.

Literature cited by the submitters: PubMed 17576681 (cited by Labcorp Genetics (formerly Invitae), Labcorp); PubMed 9536098 (cited by Labcorp Genetics (formerly Invitae), Labcorp).

NM_138694.4(PKHD1):c.11786-3C>A

Gene: PKHD1 (PKHD1 ciliary IPT domain containing fibrocystin/polyductin; minus strand). Cytogenetic location: 6p12.3.
Variant type: single nucleotide variant.
Coding change: c.11786-3C>A on transcript NM_138694.4 (MANE Select); 3 bases into the intron before coding-DNA position 11786, C replaced by A.
Molecular consequence: intron variant.
Genome position (GRCh38, 1-based): chr6:51,619,523, G>T on the plus strand (C>A on the coding strand, the complement: PKHD1 is on the minus strand). VCF-style: chr6-51619523-G-T. GRCh37 (hg19) VCF-style: chr6-51484321-G-T.
Identifiers: ClinVar variation 593996 (VCV000593996.9), dbSNP rs746467881, ClinGen allele CA3850690.